The following is an entry in ClinVar:

NM_001903.5(CTNNA1):c.361C>T (p.Arg121Ter)

Gene: CTNNA1 (catenin alpha 1; plus strand). Cytogenetic location: 5q31.2.
Variant type: single nucleotide variant.
Coding change: c.361C>T on transcript NM_001903.5 (MANE Select); coding-DNA position 361, C replaced by T.
Protein change: p.Arg121Ter; replaces arginine 121 with a stop codon.
Molecular consequence: nonsense. On other transcripts: intron variant (1).
Genome position (GRCh38, 1-based): chr5:138,810,097, C>T. VCF-style: chr5-138810097-C-T. GRCh37 (hg19) VCF-style: chr5-138145786-C-T.
Other names: c.361C>T, p.Arg121Ter (NM_001290307.3, NM_001323982.2, NM_001323983.1 and 3 more transcripts); c.52C>T, p.Arg18Ter (NM_001290309.3); c.-5-4C>T (NM_001290310.3); short protein forms R18*, R121*.
Identifiers: ClinVar variation 840285 (VCV000840285.13), dbSNP rs1043413100, ClinGen allele CA361123003.
Genomic context (GRCh38, chr5:138,810,097, plus strand): 5'-GGTGATTTGATGAAGGCTGCTGCAGGAGAGTTCGCAGATGATCCCTGCTCTTCTGTGAAG[C>T]GAGGCAACATGGTTCGGGCAGCTCGAGCTTTGCTCTCTGCTGTTACCCGGTTGCTGATTT-3'

ClinVar aggregate classification (germline): Pathogenic/Likely pathogenic. Review status: criteria provided, multiple submitters, no conflicts (2 of 4 stars). 4 submissions from 4 submitters: Pathogenic (3); Likely pathogenic (1). Last evaluated 2025-05-28.

Conditions:
Hereditary cancer-predisposing syndrome. Also called: Neoplastic Syndromes, Hereditary; Hereditary neoplastic syndrome; Tumor predisposition; Hereditary Cancer Syndrome. Identifiers: Orphanet 140162, MedGen C0027672, MeSH D009386, MONDO:0015356.
Hereditary diffuse gastric adenocarcinoma (HDGC). Also called: DIFFUSE GASTRIC AND LOBULAR BREAST CANCER SYNDROME. Identifiers: Orphanet 26106, MedGen C1708349, MONDO:0007648, OMIM 137215.

gnomAD v4.1: 1 of 1,614,108 alleles (0.000062%); highest among the groups gnomAD compares: Non-Finnish European, 0.000085%; no homozygotes.

Submissions (4):

Ambry Genetics
Classification: Pathogenic for Hereditary cancer-predisposing syndrome. Last evaluated: 2025-05-28. Review status: criteria provided, single submitter. Criteria: Ambry Variant Classification Scheme 2023. Collection method: clinical testing. Allele origin: germline.
Comment: The p.R121* pathogenic mutation (also known as c.361C>T), located in coding exon 3 of the CTNNA1 gene, results from a C to T substitution at nucleotide position 361. This changes the amino acid from an arginine to a stop codon within coding exon 3. This variant is considered to be rare based on population cohorts in the Genome Aggregation Database (gnomAD). This alteration is expected to result in loss of function by premature protein truncation or nonsense-mediated mRNA decay. As such, this alteration is interpreted as a disease-causing mutation.

Labcorp Genetics (formerly Invitae), Labcorp
Classification: Pathogenic. Last evaluated: 2024-04-30. Review status: criteria provided, single submitter. Criteria: Invitae Variant Classification Sherloc (09022015). Collection method: clinical testing. Allele origin: germline.
Comment: This sequence change creates a premature translational stop signal (p.Arg121*) in the CTNNA1 gene. It is expected to result in an absent or disrupted protein product. Loss-of-function variants in CTNNA1 are known to be pathogenic (PMID: 32051609, 34425242). This variant is not present in population databases (gnomAD no frequency). This variant has not been reported in the literature in individuals affected with CTNNA1-related conditions. ClinVar contains an entry for this variant (Variation ID: 840285). For these reasons, this variant has been classified as Pathogenic.

Myriad Genetics, Inc.
Classification: Pathogenic for Hereditary diffuse gastric adenocarcinoma. Last evaluated: 2023-07-05. Review status: criteria provided, single submitter. Criteria: Myriad Autosomal Dominant, Autosomal Recessive and X-Linked Classification Criteria (2023). Collection method: clinical testing. Allele origin: unknown.
Comment: This variant is considered pathogenic. This variant creates a termination codon and is predicted to result in premature protein truncation.

Institute for Clinical Genetics, University Hospital TU Dresden, University Hospital TU Dresden
Classification: Likely pathogenic. Last evaluated: 2021-11-03. Review status: criteria provided, single submitter. Criteria: ACMG Guidelines, 2015. Collection method: clinical testing. Allele origin: germline.

Literature cited by the submitters: PubMed 32051609 (cited by Labcorp Genetics (formerly Invitae), Labcorp); PubMed 34425242 (cited by Labcorp Genetics (formerly Invitae), Labcorp).